The following is an entry in ClinVar:

NM_000135.4(FANCA):c.2257A>G (p.Met753Val)

Gene: FANCA (FA complementation group A; minus strand). Cytogenetic location: 16q24.3.
Variant type: single nucleotide variant.
Coding change: c.2257A>G on transcript NM_000135.4 (MANE Select); coding-DNA position 2257, A replaced by G.
Protein change: p.Met753Val; replaces methionine 753 with valine.
Molecular consequence: missense variant.
Genome position (GRCh38, 1-based): chr16:89,770,225, T>C on the plus strand (A>G on the coding strand, the complement: FANCA is on the minus strand). VCF-style: chr16-89770225-T-C. GRCh37 (hg19) VCF-style: chr16-89836633-T-C.
Other names: c.2257A>G, p.Met753Val (NM_001286167.3); short protein forms M753V.
Identifiers: ClinVar variation 1444273 (VCV001444273.7), dbSNP rs757797015, ClinGen allele CA8251810.

ClinVar aggregate classification (germline): Uncertain significance. Review status: criteria provided, multiple submitters, no conflicts (2 of 4 stars). 2 submissions from 2 submitters: Uncertain significance (2). Last evaluated 2024-01-05.

Conditions:
Fanconi anemia (FA). Also called: Fanconi's anemia. Identifiers: Orphanet 84, MedGen C0015625, MeSH D005199, MONDO:0019391.
Fanconi anemia complementation group A (FANCA). Also called: FANCA-Related Fanconi Anemia; Fanconi anemia, group A. Identifiers: Orphanet 84, MedGen C3469521, MONDO:0009215, OMIM 227650.

Allele frequency attached by ClinVar (database versions not stated): gnomAD exomes below 0.00001; TOPMed below 0.00001; ExAC 0.00003.
gnomAD v4.1: 3 of 1,590,752 alleles (0.00019%); highest among the groups gnomAD compares: South Asian, 0.0011%; no homozygotes.

Submissions (2):

Fulgent Genetics
Classification: Uncertain significance for Fanconi anemia complementation group A. Last evaluated: 2024-01-05. Review status: criteria provided, single submitter. Criteria: ACMG Guidelines, 2015. Collection method: clinical testing. Allele origin: germline.

Labcorp Genetics (formerly Invitae), Labcorp
Classification: Uncertain significance for Fanconi anemia. Last evaluated: 2021-12-26. Review status: criteria provided, single submitter. Criteria: Invitae Variant Classification Sherloc (09022015). Collection method: clinical testing. Allele origin: germline.
Comment: This sequence change replaces methionine, which is neutral and non-polar, with valine, which is neutral and non-polar, at codon 753 of the FANCA protein (p.Met753Val). The frequency data for this variant in the population databases is considered unreliable, as metrics indicate poor data quality at this position in the gnomAD database. This variant has not been reported in the literature in individuals affected with FANCA-related conditions. Advanced modeling of protein sequence and biophysical properties (such as structural, functional, and spatial information, amino acid conservation, physicochemical variation, residue mobility, and thermodynamic stability) performed at Invitae indicates that this missense variant is not expected to disrupt FANCA protein function. Algorithms developed to predict the effect of sequence changes on RNA splicing suggest that this variant may create or strengthen a splice site. In summary, the available evidence is currently insufficient to determine the role of this variant in disease. Therefore, it has been classified as a Variant of Uncertain Significance.